The following is an entry in ClinVar:

NM_000082.4(ERCC8):c.608C>T (p.Ala203Val)

Gene: ERCC8 (ERCC excision repair 8, CSA ubiquitin ligase complex subunit; minus strand). Cytogenetic location: 5q12.1.
Variant type: single nucleotide variant.
Coding change: c.608C>T on transcript NM_000082.4 (MANE Select); coding-DNA position 608, C replaced by T.
Protein change: p.Ala203Val; replaces alanine 203 with valine.
Molecular consequence: missense variant.
Genome position (GRCh38, 1-based): chr5:60,902,451, G>A on the plus strand (C>T on the coding strand, the complement: ERCC8 is on the minus strand). VCF-style: chr5-60902451-G-A. GRCh37 (hg19) VCF-style: chr5-60198278-G-A.
Other names: c.434C>T, p.Ala145Val (NM_001007233.3); c.149C>T, p.Ala50Val (NM_001290285.2); short protein forms A203V, A50V, A145V.
Identifiers: ClinVar variation 3713096 (VCV003713096.2).

ClinVar aggregate classification (germline): Uncertain significance (1 of 4 stars; one submission).

gnomAD v4.1: 12 of 1,610,748 alleles (0.00074%); highest among the groups gnomAD compares: Non-Finnish European, 0.001%; no homozygotes.

Submission:

Labcorp Genetics (formerly Invitae), Labcorp
Classification: Uncertain significance. Last evaluated: 2025-06-24. Review status: criteria provided, single submitter. Criteria: Invitae Variant Classification Sherloc (09022015). Collection method: clinical testing. Allele origin: germline.
Comment: This sequence change replaces alanine, which is neutral and non-polar, with valine, which is neutral and non-polar, at codon 203 of the ERCC8 protein (p.Ala203Val). This variant is present in population databases (rs770467685, gnomAD 0.0009%). This variant has not been reported in the literature in individuals affected with ERCC8-related conditions. ClinVar contains an entry for this variant (Variation ID: 3713096). Invitae Evidence Modeling of protein sequence and biophysical properties (such as structural, functional, and spatial information, amino acid conservation, physicochemical variation, residue mobility, and thermodynamic stability) indicates that this missense variant is not expected to disrupt ERCC8 protein function with a negative predictive value of 80%. In summary, the available evidence is currently insufficient to determine the role of this variant in disease. Therefore, it has been classified as a Variant of Uncertain Significance.